The following is an entry in ClinVar:

NM_004795.4(KL):c.2203A>T (p.Ile735Leu)

Gene: KL (klotho; plus strand). Cytogenetic location: 13q13.1.
Variant type: single nucleotide variant.
Coding change: c.2203A>T on transcript NM_004795.4 (MANE Select); coding-DNA position 2203, A replaced by T.
Protein change: p.Ile735Leu; replaces isoleucine 735 with leucine.
Molecular consequence: missense variant.
Genome position (GRCh38, 1-based): chr13:33,061,282, A>T. VCF-style: chr13-33061282-A-T. GRCh37 (hg19) VCF-style: chr13-33635419-A-T.
Other names: short protein forms I735L.
Identifiers: ClinVar variation 3714496 (VCV003714496.2).

ClinVar aggregate classification (germline): Uncertain significance (1 of 4 stars; one submission).

Submission:

Labcorp Genetics (formerly Invitae), Labcorp
Classification: Uncertain significance. Last evaluated: 2024-10-17. Review status: criteria provided, single submitter. Criteria: Invitae Variant Classification Sherloc (09022015). Collection method: clinical testing. Allele origin: germline.
Comment: This sequence change replaces isoleucine, which is neutral and non-polar, with leucine, which is neutral and non-polar, at codon 735 of the KL protein (p.Ile735Leu). This variant is not present in population databases (gnomAD no frequency). This variant has not been reported in the literature in individuals affected with KL-related conditions. Invitae Evidence Modeling of protein sequence and biophysical properties (such as structural, functional, and spatial information, amino acid conservation, physicochemical variation, residue mobility, and thermodynamic stability) indicates that this missense variant is not expected to disrupt KL protein function with a negative predictive value of 80%. In summary, the available evidence is currently insufficient to determine the role of this variant in disease. Therefore, it has been classified as a Variant of Uncertain Significance.